The following is an entry in ClinVar:

NM_002661.5(PLCG2):c.2761G>C (p.Glu921Gln)

Gene: PLCG2 (phospholipase C gamma 2; plus strand). Cytogenetic location: 16q23.3.
Variant type: single nucleotide variant.
Coding change: c.2761G>C on transcript NM_002661.5 (MANE Select); coding-DNA position 2761, G replaced by C.
Protein change: p.Glu921Gln; replaces glutamic acid 921 with glutamine.
Molecular consequence: missense variant.
Genome position (GRCh38, 1-based): chr16:81,934,450, G>C. VCF-style: chr16-81934450-G-C. GRCh37 (hg19) VCF-style: chr16-81968055-G-C.
Other names: c.2761G>C, p.Glu921Gln (NM_001425749.1, NM_001425750.1, NM_001425751.1); short protein forms E921Q.
Identifiers: ClinVar variation 3687978 (VCV003687978.2).

ClinVar aggregate classification (germline): Uncertain significance (1 of 4 stars; one submission).

Conditions:
Familial cold autoinflammatory syndrome 3 (FCAS3). Also called: FAMILIAL ATYPICAL COLD URTICARIA; ANTIBODY DEFICIENCY AND IMMUNE DYSREGULATION, PLCG2-ASSOCIATED. Identifiers: Orphanet 300359, MedGen C3280914, MONDO:0013766, OMIM 614468.

gnomAD v4.1: 2 of 1,612,788 alleles (0.00012%); highest among the groups gnomAD compares: Non-Finnish European, 0.000085%; no homozygotes.

Submission:

Labcorp Genetics (formerly Invitae), Labcorp
Classification: Uncertain significance for Familial cold autoinflammatory syndrome 3. Last evaluated: 2025-09-11. Review status: criteria provided, single submitter. Criteria: Invitae Variant Classification Sherloc (09022015). Collection method: clinical testing. Allele origin: germline.
Comment: This sequence change replaces glutamic acid, which is acidic and polar, with glutamine, which is neutral and polar, at codon 921 of the PLCG2 protein (p.Glu921Gln). This variant is not present in population databases (gnomAD no frequency). This variant has not been reported in the literature in individuals affected with PLCG2-related conditions. ClinVar contains an entry for this variant (Variation ID: 3687978). An algorithm developed to predict the effect of missense changes on protein structure and function (PolyPhen-2) suggests that this variant is likely to be disruptive. In summary, the available evidence is currently insufficient to determine the role of this variant in disease. Therefore, it has been classified as a Variant of Uncertain Significance.